The following is an entry in ClinVar:

ClinVar aggregate classification (germline): Uncertain significance (0 of 4 stars; one submission).

Conditions:
Developmental delay, behavioral abnormalities, and neuropsychiatric disorders (DEDBANP). Identifiers: MedGen C5774224, MONDO:0859292, OMIM 620065.

gnomAD v4.1: 60 of 1,584,436 alleles (0.0038%); highest among the groups gnomAD compares: South Asian, 0.067%; no homozygotes.

Submission:

Hong-Tao Li Lab, Institute of Brain Science and Brain-inspired Research, Shandong First Medical University & Shandong Academy of Medical Sciences China
Classification: Uncertain significance for Developmental delay, behavioral abnormalities, and neuropsychiatric disorders. Review status: no assertion criteria provided. Collection method: research. Allele origin: germline. Inheritance: Autosomal dominant inheritance. Affected: yes. Observed: 1 variant allele, 1 heterozygote.
Comment: Observed in affected individuals from a Pakistani neurodevelopmental-disorder research cohort of 263 individuals. Classification assigned using the ACMG/AMP framework. Population-frequency evidence: gnomAD AF 7.946e-05.

NM_014921.5(ADGRL1):c.41C>T (p.Thr14Ile)

Gene: ADGRL1 (adhesion G protein-coupled receptor L1; minus strand). Cytogenetic location: 19p13.12.
Variant type: single nucleotide variant.
Coding change: c.41C>T on transcript NM_014921.5 (MANE Select); coding-DNA position 41, C replaced by T.
Protein change: p.Thr14Ile; replaces threonine 14 with isoleucine.
Molecular consequence: missense variant.
Genome position (GRCh38, 1-based): chr19:14,183,562, G>A on the plus strand (C>T on the coding strand, the complement: ADGRL1 is on the minus strand). VCF-style: chr19-14183562-G-A. GRCh37 (hg19) VCF-style: chr19-14294374-G-A.
Other names: c.41C>T, p.Thr14Ile (NM_001008701.3); short protein forms T14I.
Identifiers: ClinVar variation 4884834 (VCV004884834.1).